The following is an entry in ClinVar:

NM_004958.4(MTOR):c.4050C>T (p.Ile1350=)

Gene: MTOR (mechanistic target of rapamycin kinase; minus strand). Cytogenetic location: 1p36.22.
Variant type: single nucleotide variant.
Coding change: c.4050C>T on transcript NM_004958.4 (MANE Select); coding-DNA position 4050, C replaced by T.
Protein change: p.Ile1350=; no amino-acid change (isoleucine 1350 retained).
Molecular consequence: synonymous variant.
Genome position (GRCh38, 1-based): chr1:11,199,598, G>A on the plus strand (C>T on the coding strand, the complement: MTOR is on the minus strand). VCF-style: chr1-11199598-G-A. GRCh37 (hg19) VCF-style: chr1-11259655-G-A.
Identifiers: ClinVar variation 696365 (VCV000696365.38), dbSNP rs56391084, ClinGen allele CA590066.

ClinVar aggregate classification (germline): Benign/Likely benign. Review status: criteria provided, multiple submitters, no conflicts (2 of 4 stars). 5 submissions from 5 submitters: Benign (4); Likely benign (1). Last evaluated 2026-01-28.

Allele frequency attached by ClinVar (database versions not stated): gnomAD exomes 0.00018 and 0.00049; ExAC 0.00064; 1000 Genomes Project 30x 0.00156; 1000 Genomes Project 0.00180; gnomAD 0.00190 and 0.00203; ESP Exome Variant Server 0.00200; TOPMed 0.00207.
gnomAD v4.1: 564 of 1,614,178 alleles (0.035%); highest among the groups gnomAD compares: African/African-American, 0.64%; 4 homozygotes.

Submissions (5):

Labcorp Genetics (formerly Invitae), Labcorp
Classification: Benign. Last evaluated: 2026-01-28. Review status: criteria provided, single submitter. Criteria: Invitae Variant Classification Sherloc (09022015). Collection method: clinical testing. Allele origin: germline.

Blueprint Genetics
Classification: Likely benign. Last evaluated: 2024-07-15. Review status: criteria provided, single submitter. Criteria: ACMG Guidelines, 2015. Collection method: clinical testing. Allele origin: germline.

CeGaT Center for Human Genetics Tuebingen
Classification: Benign. Last evaluated: 2022-03-01. Review status: criteria provided, single submitter. Criteria: CeGaT Center For Human Genetics Tuebingen Variant Classification Criteria Version 2. Collection method: clinical testing. Allele origin: germline. Affected: yes. Observed: 1 variant allele.
Comment: MTOR: BS1, BS2

GeneDx
Classification: Benign. Last evaluated: 2020-04-01. Review status: criteria provided, single submitter. Criteria: GeneDx Variant Classification Process June 2021. Collection method: clinical testing. Allele origin: germline. Affected: yes.

Breakthrough Genomics
Classification: Benign. Review status: criteria provided, single submitter. Criteria: ACMG Guidelines, 2015. Collection method: not provided. Allele origin: germline. Inheritance: Autosomal dominant inheritance. Affected: yes.